The following is an entry in ClinVar:

NM_002303.6(LEPR):c.2232C>T (p.Leu744=)

Gene: LEPR (leptin receptor; plus strand). Cytogenetic location: 1p31.3.
Variant type: single nucleotide variant.
Coding change: c.2232C>T on transcript NM_002303.6 (MANE Select); coding-DNA position 2232, C replaced by T.
Protein change: p.Leu744=; no amino-acid change (leucine 744 retained).
Molecular consequence: synonymous variant.
Genome position (GRCh38, 1-based): chr1:65,617,983, C>T. VCF-style: chr1-65617983-C-T. GRCh37 (hg19) VCF-style: chr1-66083666-C-T.
Other names: c.2232C>T, p.Leu744= (NM_001003679.3, NM_001003680.3, NM_001198687.2 and 2 more transcripts).
Identifiers: ClinVar variation 3355254 (VCV003355254.1).

ClinVar aggregate classification (germline): Likely benign (0 of 4 stars; one submission).

Conditions:
LEPR-related disorder. Also called: LEPR-related condition; LEPR-related disorders.

gnomAD v4.1: 4 of 1,610,860 alleles (0.00025%); highest among the groups gnomAD compares: Non-Finnish European, 0.00025%; no homozygotes.

Submission:

PreventionGenetics, part of Exact Sciences
Classification: Likely benign for LEPR-related condition. Last evaluated: 2022-10-21. Review status: no assertion criteria provided. Collection method: clinical testing. Allele origin: germline.
Comment: This variant is classified as likely benign based on ACMG/AMP sequence variant interpretation guidelines (Richards et al. 2015 PMID: 25741868, with internal and published modifications).